The following is an entry in ClinVar:

NM_006517.5(SLC16A2):c.1288A>C (p.Ile430Leu)

Gene: SLC16A2 (solute carrier family 16 member 2; plus strand). Cytogenetic location: Xq13.2.
Variant type: single nucleotide variant.
Coding change: c.1288A>C on transcript NM_006517.5 (MANE Select); coding-DNA position 1288, A replaced by C.
Protein change: p.Ile430Leu; replaces isoleucine 430 with leucine.
Molecular consequence: missense variant.
Genome position (GRCh38, 1-based): chrX:74,529,330, A>C. VCF-style: chrX-74529330-A-C. GRCh37 (hg19) VCF-style: chrX-73749165-A-C.
Other names: short protein forms I430L.
Identifiers: ClinVar variation 3370663 (VCV003370663.2).
Genomic context (GRCh38, chrX:74,529,330, plus strand): 5'-TTCGGGGGCCTTATCGTCGTCTGTCTTTTCCTGGGCCTTTGCGATGGCTTCTTCATCACC[A>C]TCATGGCCCCCATTGCATTTGAGCTGGTGGGCCCAATGCAGGCCTCACAGGCCATTGGCT-3'
Protein context (NP_006508.2, residues 420-440): LGLCDGFFIT[Ile430Leu]MAPIAFELVG

ClinVar aggregate classification (germline): Uncertain significance (1 of 4 stars; one submission).

Submission:

GeneDx
Classification: Uncertain significance. Last evaluated: 2025-10-21. Review status: criteria provided, single submitter. Criteria: GeneDx Variant Classification Process June 2021. Collection method: clinical testing. Allele origin: germline. Affected: yes.
Comment: Has not been previously published as pathogenic or benign to our knowledge; In silico analysis supports that this missense variant has a deleterious effect on protein structure/function; Not observed at significant frequency in large population cohorts (gnomAD)